The following is an entry in ClinVar:

NM_001378477.3(NYX):c.1234C>T (p.Leu412Phe)

Gene: NYX (nyctalopin; plus strand). Cytogenetic location: Xp11.4.
Variant type: single nucleotide variant.
Coding change: c.1234C>T on transcript NM_001378477.3 (MANE Select); coding-DNA position 1234, C replaced by T.
Protein change: p.Leu412Phe; replaces leucine 412 with phenylalanine.
Molecular consequence: missense variant.
Genome position (GRCh38, 1-based): chrX:41,474,702, C>T. VCF-style: chrX-41474702-C-T. GRCh37 (hg19) VCF-style: chrX-41333955-C-T.
Other names: c.1234C>T, p.Leu412Phe (NM_022567.3); short protein forms L412F.
Identifiers: ClinVar variation 2633757 (VCV002633757.1), dbSNP rs761357422, ClinGen allele CA329217086.

ClinVar aggregate classification (germline): Uncertain significance (1 of 4 stars; one submission).

Conditions:
NYX-related disorder. Also called: NYX-related condition.

Allele frequency attached by ClinVar (database versions not stated): TOPMed below 0.00001; gnomAD 0.00001; gnomAD exomes 0.00001.
gnomAD v4.1: 16 of 1,196,505 alleles (0.0013%); highest among the groups gnomAD compares: Non-Finnish European, 0.0018%; no homozygotes.

Submission:

PreventionGenetics, part of Exact Sciences
Classification: Uncertain significance for NYX-related condition. Last evaluated: 2023-09-28. Review status: criteria provided, single submitter. Criteria: ACMG Guidelines, 2015. Collection method: clinical testing. Allele origin: germline.
Comment: The NYX c.1249C>T variant is predicted to result in the amino acid substitution p.Leu417Phe. To our knowledge, this variant has not been reported in the literature or in a large population database, indicating this variant is rare. At this time, the clinical significance of this variant is uncertain due to the absence of conclusive functional and genetic evidence.